The following is an entry in ClinVar:

ClinVar aggregate classification (germline): Likely pathogenic (1 of 4 stars; one submission).

Conditions:
Cardiovascular phenotype. Identifiers: MedGen CN230736.

Submission:

Ambry Genetics
Classification: Likely pathogenic for Cardiovascular phenotype. Last evaluated: 2023-03-18. Review status: criteria provided, single submitter. Criteria: Ambry Variant Classification Scheme 2023. Collection method: clinical testing. Allele origin: germline.
Comment: The p.K3545* variant (also known as c.10633A>T), located in coding exon 44 of the TTN gene, results from an A to T substitution at nucleotide position 10633. This changes the amino acid from a lysine to a stop codon within coding exon 44. This exon is located in the I-band region of the N2-B isoform of the titin protein and is constitutively expressed in TTN transcripts (percent spliced in or PSI 100%). This variant is considered to be rare based on population cohorts in the Genome Aggregation Database (gnomAD). This alteration is expected to result in loss of function by premature protein truncation or nonsense-mediated mRNA decay. While truncating variants in TTN are present in 1-3% of the general population, truncating variants in the A-band are the most common cause of dilated cardiomyopathy (DCM) (Herman DS et al. N. Engl. J. Med., 2012 Feb;366:619-28; Roberts AM et al. Sci Transl Med, 2015 Jan;7:270ra6). TTN truncating variants encoded in constitutive exons (PSI >90%) have been found to be significantly associated with DCM regardless of their position in titin (Schafer S et al. Nat. Genet., 2017 01;49:46-53). Based on the majority of available evidence to date, this variant is likely to be pathogenic.

NM_001267550.2(TTN):c.11722A>T (p.Lys3908Ter)

Gene: TTN (titin; minus strand). Cytogenetic location: 2q31.2.
Variant type: single nucleotide variant.
Coding change: c.11722A>T on transcript NM_001267550.2 (MANE Select); coding-DNA position 11722, A replaced by T.
Protein change: p.Lys3908Ter; replaces lysine 3908 with a stop codon.
Molecular consequence: nonsense. On other transcripts: intron variant (1).
Genome position (GRCh38, 1-based): chr2:178,741,511, T>A on the plus strand (A>T on the coding strand, the complement: TTN is on the minus strand). VCF-style: chr2-178741511-T-A. GRCh37 (hg19) VCF-style: chr2-179606238-T-A.
Other names: c.10771A>T, p.Lys3591Ter (NM_001256850.1); c.10633A>T, p.Lys3545Ter (NM_003319.4); c.11008A>T, p.Lys3670Ter (NM_133432.3); c.11209A>T, p.Lys3737Ter (NM_133437.4); c.10361-3151A>T (NM_133378.4); short protein forms K3545*, K3670*, K3908*, K3591*, K3737*.
Identifiers: ClinVar variation 2566344 (VCV002566344.2), dbSNP rs2530723915, ClinGen allele CA349619762.